The following is an entry in ClinVar:

ClinVar aggregate classification (germline): Uncertain significance (1 of 4 stars; one submission).

Submission:

Labcorp Genetics (formerly Invitae), Labcorp
Classification: Uncertain significance. Last evaluated: 2023-08-04. Review status: criteria provided, single submitter. Criteria: Invitae Variant Classification Sherloc (09022015). Collection method: clinical testing. Allele origin: germline.
Comment: This variant has not been reported in the literature in individuals affected with COL18A1-related conditions. In summary, the available evidence is currently insufficient to determine the role of this variant in disease. Therefore, it has been classified as a Variant of Uncertain Significance. Algorithms developed to predict the effect of sequence changes on RNA splicing suggest that this variant may disrupt the consensus splice site. ClinVar contains an entry for this variant (Variation ID: 2020234). This variant is not present in population databases (gnomAD no frequency). This sequence change falls in intron 22 of the COL18A1 gene. It does not directly change the encoded amino acid sequence of the COL18A1 protein.

NM_001379500.1(COL18A1):c.2157+20G>C

Gene: COL18A1 (collagen type XVIII alpha 1 chain; plus strand). Cytogenetic location: 21q22.3.
Variant type: single nucleotide variant.
Coding change: c.2157+20G>C on transcript NM_001379500.1 (MANE Select); 20 bases into the intron after coding-DNA position 2157, G replaced by C.
Molecular consequence: intron variant.
Genome position (GRCh38, 1-based): chr21:45,491,334, G>C. VCF-style: chr21-45491334-G-C. GRCh37 (hg19) VCF-style: chr21-46911248-G-C.
Other names: c.3402+20G>C (NM_130444.3); c.2697+20G>C (NM_030582.4).
Identifiers: ClinVar variation 2020234 (VCV002020234.4), dbSNP rs2517683745, ClinGen allele CA2580098887.
Genomic context (GRCh38, chr21:45,491,334, plus strand): 5'-CCGGACCCCCGGGACCTGTGGTCTACGTGTCGGAGCAGGACGTAAGGACGCTGCGTGGGT[G>C]GGCACCCAATCTGTCCAGACCCCCCACGGGGTGCAGAGATCCCTCCCCGAGCCCCCCCCA-3'